The following is an entry in ClinVar:

ClinVar aggregate classification (germline): Uncertain significance. Review status: criteria provided, multiple submitters, no conflicts (2 of 4 stars). 3 submissions from 3 submitters: Uncertain significance (3). Last evaluated 2025-09-03.

Conditions:
Hereditary cancer-predisposing syndrome. Also called: Hereditary Cancer Syndrome; Neoplastic Syndromes, Hereditary; Tumor predisposition; Hereditary neoplastic syndrome. Identifiers: Orphanet 140162, MedGen C0027672, MeSH D009386, MONDO:0015356.
Classic or attenuated familial adenomatous polyposis. Identifiers: MedGen CN372698, MONDO:0021057.
Familial adenomatous polyposis 1 (FAP1). Also called: FAMILIAL ADENOMATOUS POLYPOSIS 1, ATTENUATED; POLYPOSIS, ADENOMATOUS INTESTINAL. Identifiers: MedGen C2713442, MONDO:0021056, OMIM 175100. Disease mechanism: loss of function.

gnomAD v4.1: 1 of 1,614,086 alleles (0.000062%); highest among the groups gnomAD compares: Non-Finnish European, 0.000085%; no homozygotes.

Submissions (3):

Ambry Genetics
Classification: Uncertain significance for Hereditary cancer-predisposing syndrome. Last evaluated: 2025-09-03. Review status: criteria provided, single submitter. Criteria: Ambry Variant Classification Scheme 2023. Collection method: clinical testing. Allele origin: germline.
Comment: The p.H1738Q variant (also known as c.5214C>G), located in coding exon 15 of the APC gene, results from a C to G substitution at nucleotide position 5214. The histidine at codon 1738 is replaced by glutamine, an amino acid with highly similar properties. This amino acid position is well conserved in available vertebrate species. In addition, in silico predictors for this gene do not accurately predict pathogenicity. Missense alterations in APC are not a common cause of disease (Spier I et al. Genet Med. 2024 Feb;26(2):100992). Based on the available evidence, the clinical significance of this variant remains unclear.

All of Us Research Program, National Institutes of Health
Classification: Uncertain significance for Classic or attenuated familial adenomatous polyposis. Last evaluated: 2024-03-24. Review status: criteria provided, single submitter. Criteria: ACMG Guidelines, 2015. Collection method: clinical testing. Allele origin: germline. Inheritance: Autosomal dominant inheritance. Observed: 1 variant allele, 1 heterozygote.
Comment: This missense variant replaces histidine with glutamine at codon 1738 of the APC protein. Computational prediction suggests that this variant may have deleterious impact on protein structure and function (internally defined REVEL score threshold >= 0.7, PMID: 27666373). To our knowledge, functional studies have not been reported for this variant. This variant has not been reported in individuals affected with APC-related disorders in the literature. This variant has been identified in 1/250612 chromosomes in the general population by the Genome Aggregation Database (gnomAD). The available evidence is insufficient to determine the role of this variant in disease conclusively. Therefore, this variant is classified as a Variant of Uncertain Significance.

This study involves interpretation of variants in research participants for the purpose of population health screening. Participant phenotype was not available at the time of variant classification. Additional details can be found in publication PMID: 35346344, PMCID: PMC8962531

Labcorp Genetics (formerly Invitae), Labcorp
Classification: Uncertain significance for Familial adenomatous polyposis 1. Last evaluated: 2023-07-28. Review status: criteria provided, single submitter. Criteria: Invitae Variant Classification Sherloc (09022015). Collection method: clinical testing. Allele origin: germline.
Comment: In summary, the available evidence is currently insufficient to determine the role of this variant in disease. Therefore, it has been classified as a Variant of Uncertain Significance. Advanced modeling of protein sequence and biophysical properties (such as structural, functional, and spatial information, amino acid conservation, physicochemical variation, residue mobility, and thermodynamic stability) performed at Invitae indicates that this missense variant is not expected to disrupt APC protein function. ClinVar contains an entry for this variant (Variation ID: 1746124). This variant has not been reported in the literature in individuals affected with APC-related conditions. This variant is present in population databases (no rsID available, gnomAD 0.0009%). This sequence change replaces histidine, which is basic and polar, with glutamine, which is neutral and polar, at codon 1738 of the APC protein (p.His1738Gln).

NM_000038.6(APC):c.5214C>G (p.His1738Gln)

Gene: APC (APC regulator of Wnt signaling pathway; plus strand). Cytogenetic location: 5q22.2.
Variant type: single nucleotide variant.
Coding change: c.5214C>G on transcript NM_000038.6 (MANE Select); coding-DNA position 5214, C replaced by G.
Protein change: p.His1738Gln; replaces histidine 1738 with glutamine.
Molecular consequence: missense variant.
Genome position (GRCh38, 1-based): chr5:112,840,808, C>G. VCF-style: chr5-112840808-C-G. GRCh37 (hg19) VCF-style: chr5-112176505-C-G.
Other names: c.5214C>G, p.His1738Gln (NM_001127510.3, NM_001354895.2, NM_001407450.1); c.5160C>G, p.His1720Gln (NM_001127511.3); c.5268C>G, p.His1756Gln (NM_001354896.2, NM_001407447.1, NM_001407448.1 and 1 more transcripts); c.5244C>G, p.His1748Gln (NM_001354897.2); c.5139C>G, p.His1713Gln (NM_001354898.2); c.5130C>G, p.His1710Gln (NM_001354899.2); c.5091C>G, p.His1697Gln (NM_001354900.2); c.5037C>G, p.His1679Gln (NM_001354901.2, NM_001407453.1); and 11 more; short protein forms H1578Q, H1637Q, H1679Q, H1354Q, H1612Q, H1697Q, H1713Q, H1748Q.
Identifiers: ClinVar variation 1746124 (VCV001746124.9), dbSNP rs1233603872, ClinGen allele CA16032729.